The following is an entry in ClinVar:

NM_001875.5(CPS1):c.4126G>A (p.Gly1376Ser)

Gene: CPS1 (carbamoyl-phosphate synthase 1; plus strand). Cytogenetic location: 2q34.
Variant type: single nucleotide variant.
Coding change: c.4126G>A on transcript NM_001875.5 (MANE Select); coding-DNA position 4126, G replaced by A.
Protein change: p.Gly1376Ser; replaces glycine 1376 with serine.
Molecular consequence: missense variant. On other transcripts: non-coding transcript variant (2).
Genome position (GRCh38, 1-based): chr2:210,674,926, G>A. VCF-style: chr2-210674926-G-A. GRCh37 (hg19) VCF-style: chr2-211539650-G-A.
Other names: c.4126G>A (LRG_336t1); c.4126G>A, p.Gly1376Ser (NM_001122633.3, NM_001369257.1); c.4159G>A, p.Gly1387Ser (NM_001369256.1); short protein forms G1376S, G1387S.
Identifiers: ClinVar variation 258484 (VCV000258484.34), dbSNP rs140578009, ClinGen allele CA2087194.

ClinVar aggregate classification (germline): Conflicting classifications of pathogenicity. Review status: criteria provided, conflicting classifications (1 of 4 stars). 8 submissions from 8 submitters: Uncertain significance (1); Benign (6). 1 of the submissions does not count toward it. Last evaluated 2026-06-01.

Conditions:
Congenital hyperammonemia, type I. Also called: Carbamoyl-phosphate synthase I deficiency; CPS I DEFICIENCY; Carbamoyl phosphate synthetase I deficiency disease; Carbamoyl phosphate synthetase 1 deficiency; Hyperammonemia due to carbamoyl phosphate synthetase 1 deficiency; CPS 1 deficiency. Identifiers: Orphanet 147, MedGen C4082171, MONDO:0009376, OMIM 237300.

Allele frequency attached by ClinVar (database versions not stated): 1000 Genomes Project 30x 0.00796; 1000 Genomes Project 0.00859; TOPMed 0.01080; ExAC 0.01178; ESP Exome Variant Server 0.01238; gnomAD 0.01275; gnomAD exomes 0.01307.
gnomAD v4.1: 21,990 of 1,613,610 alleles (1.4%); highest among the groups gnomAD compares: Middle Eastern, 3.6%; 205 homozygotes.

Submissions (8):

CeGaT Center for Human Genetics Tuebingen
Classification: Benign. Last evaluated: 2026-06-01. Review status: criteria provided, single submitter. Criteria: CeGaT Center For Human Genetics Tuebingen Variant Classification Criteria Version 2. Collection method: clinical testing. Allele origin: germline. Affected: yes. Observed: 8 variant alleles.
Comment: CPS1: BS1, BS2

Labcorp Genetics (formerly Invitae), Labcorp
Classification: Benign for Congenital hyperammonemia, type I. Last evaluated: 2026-02-04. Review status: criteria provided, single submitter. Criteria: Invitae Variant Classification Sherloc (09022015). Collection method: clinical testing. Allele origin: germline.

Genomic Medicine Center of Excellence, King Faisal Specialist Hospital and Research Centre
Classification: Benign for Congenital hyperammonemia, type I. Last evaluated: 2024-04-04. Review status: criteria provided, single submitter. Criteria: ACMG Guidelines, 2015. Collection method: clinical testing. Allele origin: germline.

Mayo Clinic Laboratories, Mayo Clinic
Classification: Benign. Last evaluated: 2022-11-23. Review status: criteria provided, single submitter. Criteria: ACMG Guidelines, 2015. Collection method: clinical testing. Allele origin: germline. Observed: 4 variant alleles.
Comment: BA1

Illumina Laboratory Services, Illumina
Classification: Uncertain significance for Congenital hyperammonemia, type I. Last evaluated: 2017-04-27. Review status: criteria provided, single submitter. Criteria: ICSL Variant Classification Criteria 13 December 2019. Collection method: clinical testing. Allele origin: germline.
Comment: This variant was observed as part of a predisposition screen in an ostensibly healthy population. A literature search was performed for the gene, cDNA change, and amino acid change (where applicable). Publications were found based on this search. However, the evidence from the literature, in combination with allele frequency data from public databases where available, was not sufficient to rule this variant in or out of causing disease. Therefore, this variant is classified as a variant of unknown significance.

GeneDx
Classification: Benign. Last evaluated: 2016-03-18. Review status: criteria provided, single submitter. Criteria: GeneDx Variant Classification (06012015). Collection method: clinical testing. Allele origin: germline. Affected: yes.
Comment: This variant is considered likely benign or benign based on one or more of the following criteria: it is a conservative change, it occurs at a poorly conserved position in the protein, it is predicted to be benign by multiple in silico algorithms, and/or has population frequency not consistent with disease.

PreventionGenetics, part of Exact Sciences
Classification: Benign. Review status: criteria provided, single submitter. Criteria: ACMG Guidelines, 2015. Collection method: clinical testing. Allele origin: germline.

Natera, Inc.
Classification: Benign for Carbamoyl-phosphate synthase I deficiency. Last evaluated: 2020-09-16. Review status: no assertion criteria provided. Collection method: clinical testing. Allele origin: germline. Not counted in ClinVar's aggregate classification.

Literature cited by the submitters: PubMed 21120950 (cited by Mayo Clinic Laboratories, Mayo Clinic); PubMed 22173106 (cited by Mayo Clinic Laboratories, Mayo Clinic); PubMed 18666241 (cited by Illumina Laboratory Services, Illumina).